The following is an entry in ClinVar:

ClinVar aggregate classification (germline): Uncertain significance. Review status: criteria provided, multiple submitters, no conflicts (2 of 4 stars). 2 submissions from 2 submitters: Uncertain significance (2). Last evaluated 2025-03-29.

Conditions:
Hereditary cancer-predisposing syndrome. Also called: Neoplastic Syndromes, Hereditary; Tumor predisposition; Hereditary Cancer Syndrome; Hereditary neoplastic syndrome. Identifiers: Orphanet 140162, MedGen C0027672, MeSH D009386, MONDO:0015356.
Gastrointestinal stromal tumor. Also called: Gastrointestinal stromal tumor, somatic; Gastrointestinal stroma tumor. Identifiers: Orphanet 44890, MedGen C0238198, MeSH D046152, MONDO:0011719, OMIM 606764, HP:0100723.

Submissions (2):

Ambry Genetics
Classification: Uncertain significance for Hereditary cancer-predisposing syndrome. Last evaluated: 2025-03-29. Review status: criteria provided, single submitter. Criteria: Ambry Variant Classification Scheme 2023. Collection method: clinical testing. Allele origin: germline.
Comment: The p.D125Y variant (also known as c.373G>T), located in coding exon 3 of the PDGFRA gene, results from a G to T substitution at nucleotide position 373. The aspartic acid at codon 125 is replaced by tyrosine, an amino acid with highly dissimilar properties. This amino acid position is not well conserved in available vertebrate species. In addition, this alteration is predicted to be tolerated by in silico analysis. Since supporting evidence is limited at this time, the clinical significance of this alteration remains unclear.

Labcorp Genetics (formerly Invitae), Labcorp
Classification: Uncertain significance for Gastrointestinal stromal tumor. Last evaluated: 2021-10-18. Review status: criteria provided, single submitter. Criteria: Invitae Variant Classification Sherloc (09022015). Collection method: clinical testing. Allele origin: germline.
Comment: This sequence change replaces aspartic acid with tyrosine at codon 125 of the PDGFRA protein (p.Asp125Tyr). The aspartic acid residue is moderately conserved and there is a large physicochemical difference between aspartic acid and tyrosine. This variant is not present in population databases (ExAC no frequency). This variant has not been reported in the literature in individuals affected with PDGFRA-related conditions. ClinVar contains an entry for this variant (Variation ID: 824148). Algorithms developed to predict the effect of missense changes on protein structure and function are either unavailable or do not agree on the potential impact of this missense change (SIFT: "Deleterious"; PolyPhen-2: "Possibly Damaging"; Align-GVGD: "Class C0"). In summary, the available evidence is currently insufficient to determine the role of this variant in disease. Therefore, it has been classified as a Variant of Uncertain Significance.

NM_006206.6(PDGFRA):c.373G>T (p.Asp125Tyr)

Gene: PDGFRA (platelet derived growth factor receptor alpha; plus strand). Cytogenetic location: 4q12.
Variant type: single nucleotide variant.
Coding change: c.373G>T on transcript NM_006206.6 (MANE Select); coding-DNA position 373, G replaced by T.
Protein change: p.Asp125Tyr; replaces aspartic acid 125 with tyrosine.
Molecular consequence: missense variant.
Genome position (GRCh38, 1-based): chr4:54,263,672, G>T. VCF-style: chr4-54263672-G-T. GRCh37 (hg19) VCF-style: chr4-55129839-G-T.
Other names: c.373G>T, p.Asp125Tyr (NM_001347827.2, NM_001347829.2); c.448G>T, p.Asp150Tyr (NM_001347828.2); c.412G>T, p.Asp138Tyr (NM_001347830.2); short protein forms D150Y, D125Y, D138Y.
Identifiers: ClinVar variation 824148 (VCV000824148.8), dbSNP rs762935664, ClinGen allele CA356889598.
Genomic context (GRCh38, chr4:54,263,672, plus strand): 5'-TGTGTAAAGGTGAAATTAATGTCTAATAGAGTCTTCATTCTTTTTTAAACCACAGACCCA[G>T]ATGTAGCCTTTGTACCTCTAGGAATGACGGATTATTTAGTCATCGTGGAGGATGATGATT-3'
Protein context (NP_006197.1, residues 115-135): RHIYIYVPDP[Asp125Tyr]VAFVPLGMTD